The following is an entry in ClinVar:

ClinVar aggregate classification (germline): Uncertain significance. Review status: criteria provided, multiple submitters, no conflicts (2 of 4 stars). 2 submissions from 2 submitters: Uncertain significance (2). Last evaluated 2025-03-28.

Conditions:
Arrhythmogenic right ventricular dysplasia 10. Also called: Arrhythmogenic Right Ventricular Dysplasia/Cardiomyopathy10; ARRHYTHMOGENIC RIGHT VENTRICULAR DYSPLASIA, FAMILIAL, 10; Arrhythmogenic right ventricular dysplasia/cardiomyopathy, type 10. Identifiers: MedGen C1857777, MONDO:0012434, OMIM 610193.

gnomAD v4.1: 17 of 1,613,358 alleles (0.0011%); highest among the groups gnomAD compares: Admixed American, 0.028%; no homozygotes.

Submissions (2):

GeneDx
Classification: Uncertain significance. Last evaluated: 2025-03-28. Review status: criteria provided, single submitter. Criteria: GeneDx Variant Classification Process June 2021. Collection method: clinical testing. Allele origin: germline. Affected: yes.
Comment: In silico analysis supports that this missense variant has a deleterious effect on protein structure/function; Has not been previously published as pathogenic or benign to our knowledge

Labcorp Genetics (formerly Invitae), Labcorp
Classification: Uncertain significance for Arrhythmogenic right ventricular dysplasia 10. Last evaluated: 2024-09-02. Review status: criteria provided, single submitter. Criteria: Invitae Variant Classification Sherloc (09022015). Collection method: clinical testing. Allele origin: germline.
Comment: This sequence change replaces tyrosine, which is neutral and polar, with cysteine, which is neutral and slightly polar, at codon 940 of the DSG2 protein (p.Tyr940Cys). This variant is present in population databases (no rsID available, gnomAD 0.02%). This variant has not been reported in the literature in individuals affected with DSG2-related conditions. Invitae Evidence Modeling of protein sequence and biophysical properties (such as structural, functional, and spatial information, amino acid conservation, physicochemical variation, residue mobility, and thermodynamic stability) indicates that this missense variant is not expected to disrupt DSG2 protein function with a negative predictive value of 95%. In summary, the available evidence is currently insufficient to determine the role of this variant in disease. Therefore, it has been classified as a Variant of Uncertain Significance.

NM_001943.5(DSG2):c.2819A>G (p.Tyr940Cys)

Genes: DSG2 (desmoglein 2; plus strand), DSG2-AS1 (DSG2 antisense RNA 1; minus strand). Cytogenetic location: 18q12.1.
Variant type: single nucleotide variant.
Coding change: c.2819A>G on transcript NM_001943.5 (MANE Select); coding-DNA position 2819, A replaced by G.
Protein change: p.Tyr940Cys; replaces tyrosine 940 with cysteine.
Molecular consequence: missense variant.
Genome position (GRCh38, 1-based): chr18:31,546,205, A>G. VCF-style: chr18-31546205-A-G. GRCh37 (hg19) VCF-style: chr18-29126168-A-G.
Other names: short protein forms Y940C.
Identifiers: ClinVar variation 3612188 (VCV003612188.3).